The following is an entry in ClinVar:

ClinVar aggregate classification (germline): Uncertain significance. Review status: criteria provided, multiple submitters, no conflicts (2 of 4 stars). 2 submissions from 2 submitters: Uncertain significance (2). Last evaluated 2022-05-04.

Conditions:
Fanconi anemia (FA). Also called: Fanconi's anemia. Identifiers: Orphanet 84, MedGen C0015625, MeSH D005199, MONDO:0019391.

Allele frequency attached by ClinVar (database versions not stated): ExAC 0.00037.

Submissions (2):

Mendelics
Classification: Uncertain significance. Last evaluated: 2022-05-04. Review status: criteria provided, single submitter. Criteria: Mendelics Assertion Criteria 2019. Collection method: clinical testing. Allele origin: germline.

Sema4
Classification: Uncertain significance for Fanconi anemia. Last evaluated: 2021-11-18. Review status: criteria provided, single submitter. Criteria: Sema4 Curation Guidelines. Collection method: curation. Allele origin: germline.
Comment: The FANCD2 c.1098+4A>G variant has been reported in the literature as somatic variant (27534895). It was observed in 16/23788 chromosomes of the African/African American subpopulation, with no homozygotes, in the large and broad cohorts of the Genome Aggregation Database (PMID: 32461654). Functional studies have not been performed, in silico predictions of the variant's effect on splicing are inconclusive. The evidence is insufficient to meet ACMG/AMP criteria for classifying the variant as benign or pathogenic. Thus, the clinical significance of this variant is currently uncertain.

NM_001018115.3(FANCD2):c.1098+4A>G

Genes: FANCD2 (FA complementation group D2; plus strand), LOC107303338 (3p25 FANCD2 Alu-mediated recombination region; plus strand). Cytogenetic location: 3p25.3.
Variant type: single nucleotide variant.
Coding change: c.1098+4A>G on transcript NM_001018115.3 (MANE Select); 4 bases into the intron after coding-DNA position 1098, A replaced by G.
Molecular consequence: intron variant.
Genome position (GRCh38, 1-based): chr3:10,043,596, A>G. VCF-style: chr3-10043596-A-G. GRCh37 (hg19) VCF-style: chr3-10085280-A-G.
Other names: c.1098+4A>G (NM_001319984.2, NM_001374253.1, NM_033084.6 and 1 more transcripts).
Identifiers: ClinVar variation 1684725 (VCV001684725.2), dbSNP rs664233, ClinGen allele CA2249480.